The following is an entry in ClinVar:

NM_000038.6(APC):c.4618G>C (p.Glu1540Gln)

Gene: APC (APC regulator of Wnt signaling pathway; plus strand). Cytogenetic location: 5q22.2.
Variant type: single nucleotide variant.
Coding change: c.4618G>C on transcript NM_000038.6 (MANE Select); coding-DNA position 4618, G replaced by C.
Protein change: p.Glu1540Gln; replaces glutamic acid 1540 with glutamine.
Molecular consequence: missense variant.
Genome position (GRCh38, 1-based): chr5:112,840,212, G>C. VCF-style: chr5-112840212-G-C. GRCh37 (hg19) VCF-style: chr5-112175909-G-C.
Other names: c.4618G>C, p.Glu1540Gln (NM_001127510.3, NM_001354895.2); c.4564G>C, p.Glu1522Gln (NM_001127511.3); c.4672G>C, p.Glu1558Gln (NM_001354896.2); c.4648G>C, p.Glu1550Gln (NM_001354897.2); c.4543G>C, p.Glu1515Gln (NM_001354898.2); c.4534G>C, p.Glu1512Gln (NM_001354899.2); c.4495G>C, p.Glu1499Gln (NM_001354900.2); c.4441G>C, p.Glu1481Gln (NM_001354901.2); and 5 more; short protein forms E1522Q, E1540Q, E1414Q, E1499Q, E1515Q, E1550Q, E1380Q, E1449Q.
Identifiers: ClinVar variation 183061 (VCV000183061.14), dbSNP rs73220015, ClinGen allele CA009654.

ClinVar aggregate classification (germline): Uncertain significance. Review status: criteria provided, multiple submitters, no conflicts (2 of 4 stars). 2 submissions from 2 submitters: Uncertain significance (2). Last evaluated 2025-08-20.

Conditions:
Hereditary cancer-predisposing syndrome. Also called: Tumor predisposition; Hereditary Cancer Syndrome; Hereditary neoplastic syndrome; Neoplastic Syndromes, Hereditary. Identifiers: Orphanet 140162, MedGen C0027672, MeSH D009386, MONDO:0015356.
Familial adenomatous polyposis 1 (FAP1). Also called: FAMILIAL ADENOMATOUS POLYPOSIS 1, ATTENUATED; POLYPOSIS, ADENOMATOUS INTESTINAL. Identifiers: MedGen C2713442, MONDO:0021056, OMIM 175100. Disease mechanism: loss of function.

Allele frequency attached by ClinVar (database versions not stated): TOPMed below 0.00001; gnomAD 0.00001; 1000 Genomes Project 0.00020; 1000 Genomes Project 30x 0.00047.
gnomAD v4.1: 1 of 1,614,174 alleles (0.000062%); highest among the groups gnomAD compares: African/African-American, 0.0013%; no homozygotes.

Submissions (2):

Ambry Genetics
Classification: Uncertain significance for Hereditary cancer-predisposing syndrome. Last evaluated: 2025-08-20. Review status: criteria provided, single submitter. Criteria: Ambry Variant Classification Scheme 2023. Collection method: clinical testing. Allele origin: germline.
Comment: The p.E1540Q variant (also known as c.4618G>C), located in coding exon 15 of the APC gene, results from a G to C substitution at nucleotide position 4618. The glutamic acid at codon 1540 is replaced by glutamine, an amino acid with highly similar properties. This amino acid position is highly conserved in available vertebrate species. In addition, in silico predictors for this gene do not accurately predict pathogenicity. Since supporting evidence is limited at this time, the clinical significance of this alteration remains unclear.

Labcorp Genetics (formerly Invitae), Labcorp
Classification: Uncertain significance for Familial adenomatous polyposis 1. Last evaluated: 2022-07-24. Review status: criteria provided, single submitter. Criteria: Invitae Variant Classification Sherloc (09022015). Collection method: clinical testing. Allele origin: germline.
Comment: This variant is present in population databases (rs73220015, gnomAD 0.007%). In summary, the available evidence is currently insufficient to determine the role of this variant in disease. Therefore, it has been classified as a Variant of Uncertain Significance. Algorithms developed to predict the effect of missense changes on protein structure and function are either unavailable or do not agree on the potential impact of this missense change (SIFT: "Deleterious"; PolyPhen-2: "Probably Damaging"; Align-GVGD: "Class C0"). ClinVar contains an entry for this variant (Variation ID: 183061). This variant has not been reported in the literature in individuals affected with APC-related conditions. This sequence change replaces glutamic acid, which is acidic and polar, with glutamine, which is neutral and polar, at codon 1540 of the APC protein (p.Glu1540Gln).